The following is an entry in ClinVar:

NM_001042492.3(NF1):c.4977dup (p.Ser1660fs)

Gene: NF1 (neurofibromin 1; plus strand). Cytogenetic location: 17q11.2.
Variant type: Duplication.
Coding change: c.4977dup on transcript NM_001042492.3 (MANE Select); coding-DNA position 4977, one base duplicated (C; older notation c.4977dupC).
Protein change: p.Ser1660fs; shifts the reading frame from serine 1660.
Molecular consequence: frameshift variant.
Genome position (GRCh38, 1-based): chr17:31,325,961, C duplicated. VCF-style (leftmost placement, unchanged base first): chr17-31325960-T-TC. GRCh37 (hg19) VCF-style: chr17-29652978-T-TC.
Other names: c.4914dupC (NM_000267.3); c.4914dup, p.Ser1639Leufs (NM_000267.4); short protein forms S1660fs, S1639fs.
Identifiers: ClinVar variation 825285 (VCV000825285.4), dbSNP rs1597829782, ClinGen allele CA915949791.

ClinVar aggregate classification (germline): Pathogenic (1 of 4 stars; one submission).

Conditions:
Hereditary cancer-predisposing syndrome. Also called: Neoplastic Syndromes, Hereditary; Tumor predisposition; Hereditary neoplastic syndrome; Hereditary Cancer Syndrome. Identifiers: Orphanet 140162, MedGen C0027672, MeSH D009386, MONDO:0015356.
Cardiovascular phenotype. Identifiers: MedGen CN230736.

Submission:

Ambry Genetics
Classification: Pathogenic for Cardiovascular phenotype; Hereditary cancer-predisposing syndrome. Last evaluated: 2018-12-06. Review status: criteria provided, single submitter. Criteria: Ambry Variant Classification Scheme 2023. Collection method: clinical testing. Allele origin: germline.
Comment: The c.4914dupC pathogenic mutation, located in coding exon 36 of the NF1 gene, results from a duplication of C at nucleotide position 4914, causing a translational frameshift with a predicted alternate stop codon (p.S1639Lfs*2). This alteration is expected to result in loss of function by premature protein truncation or nonsense-mediated mRNA decay. As such, this alteration is interpreted as a disease-causing mutation.